The following is an entry in ClinVar:

NM_001113491.2(SEPTIN9):c.255C>A (p.Ser85=)

Gene: SEPTIN9 (septin 9; plus strand). Cytogenetic location: 17q25.3.
Variant type: single nucleotide variant.
Coding change: c.255C>A on transcript NM_001113491.2 (MANE Select); coding-DNA position 255, C replaced by A.
Protein change: p.Ser85=; no amino-acid change (serine 85 retained).
Molecular consequence: synonymous variant. On other transcripts: 5 prime UTR variant (2).
Genome position (GRCh38, 1-based): chr17:77,402,237, C>A. VCF-style: chr17-77402237-C-A. GRCh37 (hg19) VCF-style: chr17-75398319-C-A.
Other names: c.-238C>A (NM_001113492.2, NM_001113494.1); c.234C>A, p.Ser78= (NM_001113493.2); c.198C>A, p.Ser66= (NM_001293695.2); c.201C>A, p.Ser67= (NM_006640.5).
Identifiers: ClinVar variation 4823104 (VCV004823104.4).

ClinVar aggregate classification (germline): Likely benign (1 of 4 stars; one submission).

Submission:

CeGaT Center for Human Genetics Tuebingen
Classification: Likely benign. Last evaluated: 2026-01-01. Review status: criteria provided, single submitter. Criteria: CeGaT Center For Human Genetics Tuebingen Variant Classification Criteria Version 2. Collection method: clinical testing. Allele origin: germline. Affected: yes. Observed: 1 variant allele.
Comment: SEPTIN9: PM2:Supporting, BP4, BP7